The following is an entry in ClinVar:

ClinVar aggregate classification (germline): Uncertain significance (1 of 4 stars; one submission).

Submission:

GeneDx
Classification: Uncertain significance. Last evaluated: 2026-02-03. Review status: criteria provided, single submitter. Criteria: GeneDx Variant Classification Process June 2021. Collection method: clinical testing. Allele origin: germline.
Comment: Not observed at significant frequency in large population cohorts (gnomAD); In silico analysis suggests that this missense variant does not alter protein structure/function; Has not been previously published as pathogenic or benign to our knowledge

NM_001206998.2(ZNRF3):c.2086G>C (p.Asp696His)

Gene: ZNRF3 (zinc and ring finger 3; plus strand). Cytogenetic location: 22q12.1.
Variant type: single nucleotide variant.
Coding change: c.2086G>C on transcript NM_001206998.2 (MANE Select); coding-DNA position 2086, G replaced by C.
Protein change: p.Asp696His; replaces aspartic acid 696 with histidine.
Molecular consequence: missense variant.
Genome position (GRCh38, 1-based): chr22:29,050,267, G>C. VCF-style: chr22-29050267-G-C. GRCh37 (hg19) VCF-style: chr22-29446255-G-C.
Other names: c.1786G>C, p.Asp596His (NM_032173.4); short protein forms D596H, D696H.
Identifiers: ClinVar variation 4976127 (VCV004976127.1).